The following is an entry in ClinVar:

ClinVar aggregate classification (germline): Uncertain significance (1 of 4 stars; one submission).

Conditions:
Hereditary cancer-predisposing syndrome. Also called: Tumor predisposition; Hereditary Cancer Syndrome; Hereditary neoplastic syndrome; Neoplastic Syndromes, Hereditary. Identifiers: Orphanet 140162, MedGen C0027672, MeSH D009386, MONDO:0015356.

Submission:

Ambry Genetics
Classification: Uncertain significance for Hereditary cancer-predisposing syndrome. Last evaluated: 2017-08-01. Review status: criteria provided, single submitter. Criteria: Ambry Variant Classification Scheme 2023. Collection method: clinical testing. Allele origin: germline.
Comment: The p.P43R variant (also known as c.128C>G), located in coding exon 1 of the RB1 gene, results from a C to G substitution at nucleotide position 128. The proline at codon 43 is replaced by arginine, an amino acid with dissimilar properties. This amino acid position is well conserved in available vertebrate species. In addition, this alteration is predicted to be tolerated by in silico analysis. Since supporting evidence is limited at this time, the clinical significance of this alteration remains unclear.

NM_000321.3(RB1):c.128C>G (p.Pro43Arg)

Gene: RB1 (RB transcriptional corepressor 1; plus strand). Cytogenetic location: 13q14.2.
Variant type: single nucleotide variant.
Coding change: c.128C>G on transcript NM_000321.3 (MANE Select); coding-DNA position 128, C replaced by G.
Protein change: p.Pro43Arg; replaces proline 43 with arginine.
Molecular consequence: missense variant.
Genome position (GRCh38, 1-based): chr13:48,304,040, C>G. VCF-style: chr13-48304040-C-G. GRCh37 (hg19) VCF-style: chr13-48878176-C-G.
Other names: short protein forms P43R.
Identifiers: ClinVar variation 486295 (VCV000486295.5), dbSNP rs1555279239, ClinGen allele CA388250389.